The following is an entry in ClinVar:

ClinVar aggregate classification (germline): Uncertain significance (1 of 4 stars; one submission).

Conditions:
Dilated cardiomyopathy 1HH (CMD1HH). Identifiers: Orphanet 154, MedGen C3151293, MONDO:0013479, OMIM 613881.
Myofibrillar myopathy 6. Identifiers: Orphanet 199340, MedGen C2751831, MONDO:0013061, OMIM 612954.

Submission:

Labcorp Genetics (formerly Invitae), Labcorp
Classification: Uncertain significance for Dilated cardiomyopathy 1HH; Myofibrillar myopathy 6. Last evaluated: 2022-09-26. Review status: criteria provided, single submitter. Criteria: Invitae Variant Classification Sherloc (09022015). Collection method: clinical testing. Allele origin: germline.
Comment: This sequence change replaces proline, which is neutral and non-polar, with alanine, which is neutral and non-polar, at codon 174 of the BAG3 protein (p.Pro174Ala). This variant is not present in population databases (gnomAD no frequency). This variant has not been reported in the literature in individuals affected with BAG3-related conditions. Advanced modeling of protein sequence and biophysical properties (such as structural, functional, and spatial information, amino acid conservation, physicochemical variation, residue mobility, and thermodynamic stability) performed at Invitae indicates that this missense variant is not expected to disrupt BAG3 protein function. In summary, the available evidence is currently insufficient to determine the role of this variant in disease. Therefore, it has been classified as a Variant of Uncertain Significance.

NM_004281.4(BAG3):c.520C>G (p.Pro174Ala)

Gene: BAG3 (BAG cochaperone 3; plus strand). Cytogenetic location: 10q26.11.
Variant type: single nucleotide variant.
Coding change: c.520C>G on transcript NM_004281.4 (MANE Select); coding-DNA position 520, C replaced by G.
Protein change: p.Pro174Ala; replaces proline 174 with alanine.
Molecular consequence: missense variant.
Genome position (GRCh38, 1-based): chr10:119,672,267, C>G. VCF-style: chr10-119672267-C-G. GRCh37 (hg19) VCF-style: chr10-121431779-C-G.
Other names: short protein forms P174A.
Identifiers: ClinVar variation 1719620 (VCV001719620.5), dbSNP rs1472073020, ClinGen allele CA378295258.